The following is an entry in ClinVar:

NM_001385.3(DPYS):c.21C>T (p.Leu7=)

Gene: DPYS (dihydropyrimidinase; minus strand). Cytogenetic location: 8q22.3.
Variant type: single nucleotide variant.
Coding change: c.21C>T on transcript NM_001385.3 (MANE Select); coding-DNA position 21, C replaced by T.
Protein change: p.Leu7=; no amino-acid change (leucine 7 retained).
Molecular consequence: synonymous variant.
Genome position (GRCh38, 1-based): chr8:104,466,900, G>A on the plus strand (C>T on the coding strand, the complement: DPYS is on the minus strand). VCF-style: chr8-104466900-G-A. GRCh37 (hg19) VCF-style: chr8-105479128-G-A.
Identifiers: ClinVar variation 1901068 (VCV001901068.29), dbSNP rs755857356, ClinGen allele CA4838644.

ClinVar aggregate classification (germline): Likely benign. Review status: criteria provided, multiple submitters, no conflicts (2 of 4 stars). 2 submissions from 2 submitters: Likely benign (2). Last evaluated 2025-10-31.

Allele frequency attached by ClinVar (database versions not stated): gnomAD exomes 0.00002; ExAC 0.00010.
gnomAD v4.1: 25 of 1,504,332 alleles (0.0017%); highest among the groups gnomAD compares: Middle Eastern, 0.1%; no homozygotes.

Submissions (2):

Labcorp Genetics (formerly Invitae), Labcorp
Classification: Likely benign. Last evaluated: 2025-10-31. Review status: criteria provided, single submitter. Criteria: Invitae Variant Classification Sherloc (09022015). Collection method: clinical testing. Allele origin: germline.

CeGaT Center for Human Genetics Tuebingen
Classification: Likely benign. Last evaluated: 2022-03-01. Review status: criteria provided, single submitter. Criteria: CeGaT Center For Human Genetics Tuebingen Variant Classification Criteria Version 2. Collection method: clinical testing. Allele origin: germline. Affected: yes. Observed: 1 variant allele.
Comment: DPYS: BP4, BP7